The following is an entry in ClinVar:

ClinVar aggregate classification (germline): Conflicting classifications of pathogenicity. Review status: criteria provided, conflicting classifications (1 of 4 stars). 9 submissions from 9 submitters: Uncertain significance (2); Benign (2); Likely benign (5). Last evaluated 2026-01-28.

Conditions:
Primary ciliary dyskinesia. Also called: Ciliary dyskinesia. Identifiers: Orphanet 244, MedGen C0008780, MONDO:0016575, HP:0012265.
Primary ciliary dyskinesia 15. Also called: CILIARY DYSKINESIA, PRIMARY, 15, WITH OR WITHOUT SITUS INVERSUS. Identifiers: Orphanet 244, MedGen C3151137, MONDO:0013435, OMIM 613808.

Allele frequency attached by ClinVar (database versions not stated): 1000 Genomes Project 0.00100; 1000 Genomes Project 30x 0.00141; TOPMed 0.00147.
gnomAD v4.1: 4,134 of 1,614,078 alleles (0.26%); highest among the groups gnomAD compares: Middle Eastern, 0.36%; 8 homozygotes.

Submissions (9):

Labcorp Genetics (formerly Invitae), Labcorp
Classification: Likely benign for Primary ciliary dyskinesia. Last evaluated: 2026-01-28. Review status: criteria provided, single submitter. Criteria: Invitae Variant Classification Sherloc (09022015). Collection method: clinical testing. Allele origin: germline.

GeneDx
Classification: Uncertain significance. Last evaluated: 2025-10-02. Review status: criteria provided, single submitter. Criteria: GeneDx Variant Classification Process June 2021. Collection method: clinical testing. Allele origin: germline. Affected: yes.
Comment: In silico analysis supports that this missense variant has a deleterious effect on protein structure/function; Has not been previously published as pathogenic or benign to our knowledge

Mayo Clinic Laboratories, Mayo Clinic
Classification: Likely benign. Last evaluated: 2025-04-10. Review status: criteria provided, single submitter. Criteria: ACMG Guidelines, 2015. Collection method: clinical testing. Allele origin: germline. Observed: 1 variant allele.
Comment: BS1, BP4_moderate

CeGaT Center for Human Genetics Tuebingen
Classification: Likely benign. Last evaluated: 2025-02-01. Review status: criteria provided, single submitter. Criteria: CeGaT Center For Human Genetics Tuebingen Variant Classification Criteria Version 2. Collection method: clinical testing. Allele origin: germline. Affected: yes. Observed: 2 variant alleles.
Comment: CCDC40: BP4, BS2

Blueprint Genetics
Classification: Likely benign. Last evaluated: 2024-11-27. Review status: criteria provided, single submitter. Criteria: ACMG Guidelines, 2015. Collection method: clinical testing. Allele origin: germline.

ARUP Laboratories, Molecular Genetics and Genomics, ARUP Laboratories
Classification: Likely benign for Primary ciliary dyskinesia 15. Last evaluated: 2024-06-10. Review status: criteria provided, single submitter. Criteria: ARUP Molecular Germline Variant Investigation Process 2024. Collection method: clinical testing. Allele origin: germline.

Ambry Genetics
Classification: Benign for Primary ciliary dyskinesia. Last evaluated: 2019-12-10. Review status: criteria provided, single submitter. Criteria: Ambry Variant Classification Scheme 2023. Collection method: clinical testing. Allele origin: germline.

Illumina Laboratory Services, Illumina
Classification: Uncertain significance for Primary ciliary dyskinesia 15. Last evaluated: 2018-01-13. Review status: criteria provided, single submitter. Criteria: ICSL Variant Classification Criteria 13 December 2019. Collection method: clinical testing. Allele origin: germline.

PreventionGenetics, part of Exact Sciences
Classification: Benign. Review status: criteria provided, single submitter. Criteria: ACMG Guidelines, 2015. Collection method: clinical testing. Allele origin: germline.

NM_017950.4(CCDC40):c.2900G>A (p.Arg967His)

Gene: CCDC40 (coiled-coil domain 40 molecular ruler complex subunit; plus strand). Cytogenetic location: 17q25.3.
Variant type: single nucleotide variant.
Coding change: c.2900G>A on transcript NM_017950.4 (MANE Select); coding-DNA position 2900, G replaced by A.
Protein change: p.Arg967His; replaces arginine 967 with histidine.
Molecular consequence: missense variant.
Genome position (GRCh38, 1-based): chr17:80,095,330, G>A. VCF-style: chr17-80095330-G-A. GRCh37 (hg19) VCF-style: chr17-78069129-G-A.
Other names: p.Arg967His; short protein forms R967H.
Identifiers: ClinVar variation 260965 (VCV000260965.52), dbSNP rs61686936, ClinGen allele CA8814543.
Genomic context (GRCh38, chr17:80,095,330, plus strand): 5'-TCGGGCAGCTGCTGAAGCAGCAGGAGAAGATGATCCGTGCCATGGAGTTGGCGGTTGCCC[G>A]CAGAGAGACCGTCACCACCCAGGCCGAGGGGCAGCGCAAGATGGACAGGAAGGCGCTCAC-3'
Protein context (NP_060420.2, residues 957-977): MIRAMELAVA[Arg967His]RETVTTQAEG